The following is an entry in ClinVar:

ClinVar aggregate classification (germline): Uncertain significance (1 of 4 stars; one submission).

Conditions:
Leigh syndrome (NULS). Also called: Leigh's necrotizing encephalopathy; Leigh's disease; Leigh Syndrome (mtDNA deletion); Leigh Disease; Subacute necrotizing encephalopathy; Necrotizing encephalopathy infantile subacute of Leigh. Identifiers: Orphanet 506, MedGen C2931891, MONDO:0009723, OMIM 256000.

Submission:

Wong Mito Lab, Molecular and Human Genetics, Baylor College of Medicine
Classification: Uncertain significance for Leigh syndrome. Last evaluated: 2019-10-17. Review status: criteria provided, single submitter. Criteria: Modified ACMG Guidelines (Unpublished). Collection method: clinical testing. Allele origin: germline.
Comment: The NC_012920.1:m.9005T>C (YP_003024031.1:p.Leu160Pro) variant in MTATP6 gene is interpretated to be a Uncertain Significance variant based on the modified ACMG guidelines (unpublished). This variant meets the following evidence codes: PP3, PP7, BP5

NC_012920.1(MT-ATP6):m.9005T>C

Gene: MT-ATP6 (mitochondrially encoded ATP synthase 6; plus strand).
Variant type: single nucleotide variant.
Genome position: chrM-9005-T-C.
Identifiers: ClinVar variation 693050 (VCV000693050.1), dbSNP rs1603221971, ClinGen allele CA414801832.